The following is an entry in ClinVar:

NM_004104.5(FASN):c.3397G>A (p.Ala1133Thr)

Gene: FASN (fatty acid synthase; minus strand). Cytogenetic location: 17q25.3.
Variant type: single nucleotide variant.
Coding change: c.3397G>A on transcript NM_004104.5 (MANE Select); coding-DNA position 3397, G replaced by A.
Protein change: p.Ala1133Thr; replaces alanine 1133 with threonine.
Molecular consequence: missense variant.
Genome position (GRCh38, 1-based): chr17:82,087,080, C>T on the plus strand (G>A on the coding strand, the complement: FASN is on the minus strand). VCF-style: chr17-82087080-C-T. GRCh37 (hg19) VCF-style: chr17-80044956-C-T.
Other names: short protein forms A1133T.
Identifiers: ClinVar variation 2999116 (VCV002999116.3), dbSNP rs2509836728, ClinGen allele CA401552893.

ClinVar aggregate classification (germline): Uncertain significance (1 of 4 stars; one submission).

Conditions:
Epileptic encephalopathy. Identifiers: MedGen C0543888, HP:0200134.

Allele frequency attached by ClinVar (database versions not stated): gnomAD exomes below 0.00001.
gnomAD v4.1: 3 of 1,611,528 alleles (0.00019%); highest among the groups gnomAD compares: Non-Finnish European, 0.00025%; no homozygotes.

Submission:

Labcorp Genetics (formerly Invitae), Labcorp
Classification: Uncertain significance for Epileptic encephalopathy. Last evaluated: 2024-03-11. Review status: criteria provided, single submitter. Criteria: Invitae Variant Classification Sherloc (09022015). Collection method: clinical testing. Allele origin: germline.
Comment: This sequence change replaces alanine, which is neutral and non-polar, with threonine, which is neutral and polar, at codon 1133 of the FASN protein (p.Ala1133Thr). This variant is not present in population databases (gnomAD no frequency). This variant has not been reported in the literature in individuals affected with FASN-related conditions. Algorithms developed to predict the effect of missense changes on protein structure and function output the following: SIFT: "Not Available"; PolyPhen-2: "Benign"; Align-GVGD: "Not Available". The threonine amino acid residue is found in multiple mammalian species, which suggests that this missense change does not adversely affect protein function. In summary, the available evidence is currently insufficient to determine the role of this variant in disease. Therefore, it has been classified as a Variant of Uncertain Significance.